The following is an entry in ClinVar:

ClinVar aggregate classification (germline): Uncertain significance (1 of 4 stars; one submission).

Conditions:
Autosomal recessive limb-girdle muscular dystrophy type 2O. Also called: Limb-Girdle Muscular Dystrophy Type 3C; MUSCULAR DYSTROPHY-DYSTROGLYCANOPATHY (LIMB-GIRDLE), TYPE C, 3; MUSCULAR DYSTROPHY-DYSTROGLYCANOPATHY, LIMB-GIRDLE, POMGNT1-RELATED. Identifiers: Orphanet 206564, MedGen C3150417, MONDO:0013161, OMIM 613157.
Muscular dystrophy-dystroglycanopathy (congenital with impaired intellectual development), type B, 3. Also called: Muscular dystrophy-dystroglycanopathy (congenital with intellectual disability), type B3; MUSCULAR DYSTROPHY, CONGENITAL, POMGNT1-RELATED. Identifiers: MedGen C3150412, MONDO:0013155, OMIM 613151.

Allele frequency attached by ClinVar (database versions not stated): gnomAD exomes below 0.00001.
gnomAD v4.1: 1 of 1,614,146 alleles (0.000062%); highest among the groups gnomAD compares: Non-Finnish European, 0.000085%; no homozygotes.

Submission:

Labcorp Genetics (formerly Invitae), Labcorp
Classification: Uncertain significance for Autosomal recessive limb-girdle muscular dystrophy type 2O; Muscular dystrophy-dystroglycanopathy (congenital with impaired intellectual development), type B, 3. Last evaluated: 2021-11-03. Review status: criteria provided, single submitter. Criteria: Invitae Variant Classification Sherloc (09022015). Collection method: clinical testing. Allele origin: germline.
Comment: This sequence change affects codon 309 of the POMGNT1 mRNA. It is a 'silent' change, meaning that it does not change the encoded amino acid sequence of the POMGNT1 protein. This variant is not present in population databases (gnomAD no frequency). This variant has not been reported in the literature in individuals affected with POMGNT1-related conditions. Algorithms developed to predict the effect of sequence changes on RNA splicing suggest that this variant may create or strengthen a splice site. In summary, the available evidence is currently insufficient to determine the role of this variant in disease. Therefore, it has been classified as a Variant of Uncertain Significance.

NM_017739.4(POMGNT1):c.927G>T (p.Gly309=)

Genes: POMGNT1 (protein O-linked mannose N-acetylglucosaminyltransferase 1 (beta 1,2-); minus strand), TSPAN1 (tetraspanin 1; plus strand). Cytogenetic location: 1p34.1.
Variant type: single nucleotide variant.
Coding change: c.927G>T on transcript NM_017739.4 (MANE Select); coding-DNA position 927, G replaced by T.
Protein change: p.Gly309=; no amino-acid change (glycine 309 retained).
Molecular consequence: synonymous variant.
Genome position (GRCh38, 1-based): chr1:46,193,878, C>A on the plus strand (G>T on the coding strand, the complement: POMGNT1 is on the minus strand). VCF-style: chr1-46193878-C-A. GRCh37 (hg19) VCF-style: chr1-46659550-C-A.
Other names: c.927G>T, p.Gly309= (NM_001243766.2, NM_001410783.1); c.861G>T, p.Gly287= (NM_001290129.3); c.498G>T, p.Gly166= (NM_001290130.2).
Identifiers: ClinVar variation 1444957 (VCV001444957.6), dbSNP rs1375679237, ClinGen allele CA417718613.
Genomic context (GRCh38, chr1:46,193,878, plus strand): 5'-CTGTTCAGTGCTGGGTATAGCCCATTCCCAGGCTTACCTGTACAGGTAATTGGGTCGGTT[C>A]CCTGCAATGACAGCCACAGGCACATTGAGGACCTTGTTGTCTGGGAGCTGTGGGAGAAAT-3'
Protein context (NP_060209.4, residues 299-319): VLNVPVAVIA[Gly309=]NRPNYLYRML